The following is an entry in ClinVar:

ClinVar aggregate classification (germline): Uncertain significance (1 of 4 stars; one submission).

Submission:

GeneDx
Classification: Uncertain significance. Last evaluated: 2024-05-08. Review status: criteria provided, single submitter. Criteria: GeneDx Variant Classification Process June 2021. Collection method: clinical testing. Allele origin: germline. Affected: yes.
Comment: Not observed at significant frequency in large population cohorts (gnomAD); In silico analysis supports that this missense variant has a deleterious effect on protein structure/function; Has not been previously published as pathogenic or benign to our knowledge

NM_002074.5(GNB1):c.113A>G (p.Asp38Gly)

Gene: GNB1 (G protein subunit beta 1; minus strand). Cytogenetic location: 1p36.33.
Variant type: single nucleotide variant.
Coding change: c.113A>G on transcript NM_002074.5 (MANE Select); coding-DNA position 113, A replaced by G.
Protein change: p.Asp38Gly; replaces aspartic acid 38 with glycine.
Molecular consequence: missense variant. On other transcripts: intron variant (1).
Genome position (GRCh38, 1-based): chr1:1,815,846, T>C on the plus strand (A>G on the coding strand, the complement: GNB1 is on the minus strand). VCF-style: chr1-1815846-T-C. GRCh37 (hg19) VCF-style: chr1-1747285-T-C.
Other names: c.113A>G, p.Asp38Gly (NM_001282539.2); c.-97-9308A>G (NM_001282538.2); short protein forms D38G.
Identifiers: ClinVar variation 3375662 (VCV003375662.1).
Genomic context (GRCh38, chr1:1,815,846, plus strand): 5'-ATCTTGGCCAGGTGCCCCCGCAGTGTCCTCCTCGTGCGCATTTGGATTCTTCCCACTGGG[T>C]CGATGTTGTTTGTGATCTTGAAAATAAAAACATTTCTGTAAATCAACATCTGTGATTAAA-3'
Protein context (NP_002065.1, residues 28-48): ATLSQITNNI[Asp38Gly]PVGRIQMRTR